The following is an entry in ClinVar:

NM_001349253.2(SCN11A):c.3979_3980del (p.Glu1327fs)

Gene: SCN11A (sodium voltage-gated channel alpha subunit 11; minus strand). Cytogenetic location: 3p22.2.
Variant type: Deletion.
Coding change: c.3979_3980del on transcript NM_001349253.2 (MANE Select); coding-DNA positions 3979 to 3980, 2 bases deleted (GA; older notation c.3979_3980delGA).
Protein change: p.Glu1327fs; shifts the reading frame from glutamic acid 1327.
Molecular consequence: frameshift variant.
Genome position (GRCh38, 1-based): chr3:38,863,271-38,863,272, TC deleted on the plus strand (GA on the coding strand, the reverse complement: SCN11A is on the minus strand); deleting any 2 consecutive bases within chr3:38,863,271-38,863,273 gives the same sequence; the c. name uses the placement nearest the transcript's 3' end. VCF-style (leftmost placement, unchanged base first): chr3-38863270-TTC-T. GRCh37 (hg19) VCF-style: chr3-38904761-TTC-T.
Other names: c.3979_3980del, p.Glu1327fs (NM_014139.3); short protein forms E1327fs.
Identifiers: ClinVar variation 2945935 (VCV002945935.3), dbSNP rs2471008711, ClinGen allele CA2740094361.

ClinVar aggregate classification (germline): Uncertain significance (1 of 4 stars; one submission).

Conditions:
Familial episodic pain syndrome with predominantly lower limb involvement. Also called: Episodic pain syndrome, familial, 3. Identifiers: Orphanet 391384, Orphanet 391392, MedGen C3809899, MONDO:0014247, OMIM 615552.
Hereditary sensory and autonomic neuropathy type 7. Also called: Neuropathy, hereditary sensory and autonomic, type VII; HSAN VII. Identifiers: Orphanet 391397, MedGen C3809882, MONDO:0014244, OMIM 615548.

Submission:

Labcorp Genetics (formerly Invitae), Labcorp
Classification: Uncertain significance for Familial episodic pain syndrome with predominantly lower limb involvement; Hereditary sensory and autonomic neuropathy type 7. Last evaluated: 2023-03-29. Review status: criteria provided, single submitter. Criteria: Invitae Variant Classification Sherloc (09022015). Collection method: clinical testing. Allele origin: germline.
Comment: Algorithms developed to predict the effect of sequence changes on RNA splicing suggest that this variant may disrupt the consensus splice site. In summary, the available evidence is currently insufficient to determine the role of this variant in disease. Therefore, it has been classified as a Variant of Uncertain Significance. This sequence change creates a premature translational stop signal (p.Glu1327Argfs*7) in the SCN11A gene. It is expected to result in an absent or disrupted protein product. However, the current clinical and genetic evidence is not sufficient to establish whether loss-of-function variants in SCN11A cause disease. This variant is not present in population databases (gnomAD no frequency). This variant has not been reported in the literature in individuals affected with SCN11A-related conditions.